The following is an entry in ClinVar:

NM_000540.3(RYR1):c.6376C>G (p.Arg2126Gly)

Gene: RYR1 (ryanodine receptor 1; plus strand). Cytogenetic location: 19q13.2.
Variant type: single nucleotide variant.
Coding change: c.6376C>G on transcript NM_000540.3 (MANE Select); coding-DNA position 6376, C replaced by G.
Protein change: p.Arg2126Gly; replaces arginine 2126 with glycine.
Molecular consequence: missense variant.
Genome position (GRCh38, 1-based): chr19:38,494,453, C>G. VCF-style: chr19-38494453-C-G. GRCh37 (hg19) VCF-style: chr19-38985093-C-G.
Other names: c.6376C>G, p.Arg2126Gly (NM_001042723.2); short protein forms R2126G.
Identifiers: ClinVar variation 3070604 (VCV003070604.3), dbSNP rs1265086155, ClinGen allele CA405663750.

ClinVar aggregate classification (germline): Uncertain significance. Review status: criteria provided, multiple submitters, no conflicts (2 of 4 stars). 2 submissions from 2 submitters: Uncertain significance (2). Last evaluated 2024-10-02.

Conditions:
RYR1-related disorder. Also called: RYR1-related condition; RYR1-related disorders. Identifiers: MedGen CN239331.
Malignant hyperthermia, susceptibility to, 1 (MHS1). Also called: Anesthesia related hyperthermia; Malignant hyperpyrexia; Fulminating hyperpyrexia; Pharmacogenic myopathy; RYR1-Related Malignant Hyperthermia Susceptibility; Malignant hyperthermia suceptibility 1. Identifiers: Orphanet 423, MedGen C2930980, MONDO:0007783, OMIM 145600.

gnomAD v4.1: 1 of 1,612,670 alleles (0.000062%); highest among the groups gnomAD compares: South Asian, 0.0011%; no homozygotes.

Submissions (2):

Labcorp Genetics (formerly Invitae), Labcorp
Classification: Uncertain significance for RYR1-related disorder. Last evaluated: 2024-10-02. Review status: criteria provided, single submitter. Criteria: Invitae Variant Classification Sherloc (09022015). Collection method: clinical testing. Allele origin: germline.
Comment: This sequence change replaces arginine, which is basic and polar, with glycine, which is neutral and non-polar, at codon 2126 of the RYR1 protein (p.Arg2126Gly). This variant is present in population databases (no rsID available, gnomAD 0.003%). This variant has not been reported in the literature in individuals affected with RYR1-related conditions. Invitae Evidence Modeling of protein sequence and biophysical properties (such as structural, functional, and spatial information, amino acid conservation, physicochemical variation, residue mobility, and thermodynamic stability) indicates that this missense variant is expected to disrupt RYR1 protein function with a positive predictive value of 80%. In summary, the available evidence is currently insufficient to determine the role of this variant in disease. Therefore, it has been classified as a Variant of Uncertain Significance.

All of Us Research Program, National Institutes of Health
Classification: Uncertain significance for Malignant hyperthermia, susceptibility to, 1. Last evaluated: 2023-04-27. Review status: criteria provided, single submitter. Criteria: ACMG Guidelines, 2015. Collection method: clinical testing. Allele origin: germline. Inheritance: Autosomal dominant inheritance. Observed: 1 variant allele, 1 heterozygote.
Comment: This study involves interpretation of variants in research participants for the purpose of population health screening. Participant phenotype was not available at the time of variant classification. Additional details can be found in publication PMID: 35346344, PMCID: PMC8962531